The following is an entry in ClinVar:

NM_000238.4(KCNH2):c.1922C>T (p.Ser641Phe)

Gene: KCNH2 (potassium voltage-gated channel subfamily H member 2; minus strand). Cytogenetic location: 7q36.1.
Variant type: single nucleotide variant.
Coding change: c.1922C>T on transcript NM_000238.4 (MANE Select); coding-DNA position 1922, C replaced by T.
Protein change: p.Ser641Phe; replaces serine 641 with phenylalanine.
Molecular consequence: missense variant.
Genome position (GRCh38, 1-based): chr7:150,951,471, G>A on the plus strand (C>T on the coding strand, the complement: KCNH2 is on the minus strand). VCF-style: chr7-150951471-G-A. GRCh37 (hg19) VCF-style: chr7-150648559-G-A.
Other names: c.1922C>T (LRG_288t1); c.902C>T, p.Ser301Phe (NM_001204798.2, NM_172057.3); c.1634C>T, p.Ser545Phe (NM_001406753.1, NM_001406756.1); c.1745C>T, p.Ser582Phe (NM_001406755.1); c.1622C>T, p.Ser541Phe (NM_001406757.1); c.1922C>T, p.Ser641Phe (NM_172056.3); short protein forms S301F, S641F, S541F, S582F, S545F.
Identifiers: ClinVar variation 67337 (VCV000067337.10), dbSNP rs199472971, ClinGen allele CA006035.

ClinVar aggregate classification (germline): Pathogenic. Review status: criteria provided, multiple submitters, no conflicts (2 of 4 stars). 3 submissions from 3 submitters: Pathogenic (2). 1 of the submissions does not count toward it. Last evaluated 2023-02-28.

Conditions:
KCNH2-related disorder. Also called: KCNH2-related disorders; KCNH2-related condition.
Familial long QT syndrome (RWS). Also called: Congenital long QT syndrome; Romano-Ward syndrome; VENTRICULAR FIBRILLATION WITH PROLONGED QT INTERVAL. Identifiers: Orphanet 768, MedGen C1141890, MONDO:0019171.
Long QT syndrome (LQTS). Identifiers: MedGen C0023976, MeSH D008133, MONDO:0002442. Disease mechanism: loss of function. Inheritance: Various modes of inheritance.

Submissions (3):

Blueprint Genetics
Classification: Pathogenic for KCNH2-related disorders. Last evaluated: 2023-02-28. Review status: criteria provided, single submitter. Criteria: ACMG Guidelines, 2015. Collection method: clinical testing. Allele origin: germline. Affected: yes. Observed: 1 variant allele.

Labcorp Genetics (formerly Invitae), Labcorp
Classification: Pathogenic for Long QT syndrome. Last evaluated: 2019-04-30. Review status: criteria provided, single submitter. Criteria: Invitae Variant Classification Sherloc (09022015). Collection method: clinical testing. Allele origin: germline.
Comment: ClinVar contains an entry for this variant (Variation ID: 67337). This variant is not present in population databases (ExAC no frequency). This variant has been reported to affect KCNH2 protein function (PMID: 25417810). This sequence change replaces serine with phenylalanine at codon 641 of the KCNH2 protein (p.Ser641Phe). The serine residue is highly conserved and there is a large physicochemical difference between serine and phenylalanine. For these reasons, this variant has been classified as Pathogenic.

Cardiovascular Biomedical Research Unit, Royal Brompton & Harefield NHS Foundation Trust
No classification provided. Condition: Familial long QT syndrome. Review status: no classification provided. Collection method: literature only. Allele origin: germline. Not counted in ClinVar's aggregate classification.
Comment: This variant has been reported as associated with Long QT syndrome in the following publications (PMID:15840476;PMID:19841300). This is a literature report, and does not necessarily reflect the clinical interpretation of the Imperial College / Royal Brompton Cardiovascular Genetics laboratory.

Literature cited by the submitters: PubMed 22949429 (cited by Labcorp Genetics (formerly Invitae), Labcorp); PubMed 18441445 (cited by Labcorp Genetics (formerly Invitae), Labcorp); PubMed 21769575 (cited by Labcorp Genetics (formerly Invitae), Labcorp); PubMed 25417810 (cited by Labcorp Genetics (formerly Invitae), Labcorp); PubMed 15840476 (cited by Cardiovascular Biomedical Research Unit, Royal Brompton & Harefield NHS Foundation Trust); PubMed 19841300 (cited by Cardiovascular Biomedical Research Unit, Royal Brompton & Harefield NHS Foundation Trust); PubMed 22581653 (cited by Cardiovascular Biomedical Research Unit, Royal Brompton & Harefield NHS Foundation Trust).